The following is an entry in ClinVar:

ClinVar aggregate classification (germline): Uncertain significance. Review status: criteria provided, multiple submitters, no conflicts (2 of 4 stars). 2 submissions from 2 submitters: Uncertain significance (2). Last evaluated 2022-07-19.

Conditions:
3MC syndrome 1. Also called: OCULOPALATOSKELETAL SYNDROME; CRANIOSYNOSTOSIS WITH LID ANOMALIES; MICHELS SYNDROME. Identifiers: Orphanet 293843, MedGen C0796059, MONDO:0009770, OMIM 257920.

Allele frequency attached by ClinVar (database versions not stated): TOPMed below 0.00001; gnomAD 0.00001.

Submissions (2):

Labcorp Genetics (formerly Invitae), Labcorp
Classification: Uncertain significance for 3MC syndrome 1. Last evaluated: 2022-07-19. Review status: criteria provided, single submitter. Criteria: Invitae Variant Classification Sherloc (09022015). Collection method: clinical testing. Allele origin: germline.
Comment: This sequence change replaces alanine, which is neutral and non-polar, with serine, which is neutral and polar, at codon 17 of the MASP1 protein (p.Ala17Ser). In summary, the available evidence is currently insufficient to determine the role of this variant in disease. Therefore, it has been classified as a Variant of Uncertain Significance. Algorithms developed to predict the effect of sequence changes on RNA splicing suggest that this variant may disrupt the consensus splice site. Algorithms developed to predict the effect of missense changes on protein structure and function (SIFT, PolyPhen-2, Align-GVGD) all suggest that this variant is likely to be tolerated. ClinVar contains an entry for this variant (Variation ID: 1037785). This missense change has been observed in individual(s) with deafness (PMID: 28534045). This variant is present in population databases (rs746649361, gnomAD 0.006%).

Breakthrough Genomics
Classification: Uncertain significance. Review status: criteria provided, single submitter. Criteria: ACMG Guidelines, 2015. Collection method: not provided. Allele origin: germline. Inheritance: Autosomal recessive inheritance. Affected: yes.

Literature cited by the submitters: PubMed 28534045 (cited by Labcorp Genetics (formerly Invitae), Labcorp).

NM_139125.4(MASP1):c.49G>T (p.Ala17Ser)

Genes: MASP1 (MBL associated serine protease 1; minus strand), LOC108281160 (MED14-independent group 3 enhancer GRCh37_chr3:187003628-187004827; plus strand). Cytogenetic location: 3q27.3.
Variant type: single nucleotide variant.
Coding change: c.49G>T on transcript NM_139125.4 (MANE Select); coding-DNA position 49, G replaced by T.
Protein change: p.Ala17Ser; replaces alanine 17 with serine.
Molecular consequence: missense variant.
Genome position (GRCh38, 1-based): chr3:187,286,013, C>A on the plus strand (G>T on the coding strand, the complement: MASP1 is on the minus strand). VCF-style: chr3-187286013-C-A. GRCh37 (hg19) VCF-style: chr3-187003801-C-A.
Other names: c.49G>T, p.Ala17Ser (NM_001031849.3, NM_001879.6); short protein forms A17S.
Identifiers: ClinVar variation 1037785 (VCV001037785.6), dbSNP rs746649361, ClinGen allele CA2749734.
Genomic context (GRCh38, chr3:187,286,013, plus strand): 5'-GATAACCAGGCGACTGGATCTGGCCAAACATATTGTTTAGCTCCACGGTGTGGGCTGAAG[C>A]CTTTGACAGGGAGAAGCACAGAGCATAATAGAGAAGCAGCCACCTGAAAGACATGAATGT-3'
Protein context (NP_624302.1, residues 7-27): YYALCFSLSK[Ala17Ser]SAHTVELNNM